The following is an entry in ClinVar:

NM_005502.4(ABCA1):c.1040A>G (p.Tyr347Cys)

Gene: ABCA1 (ATP binding cassette subfamily A member 1; minus strand). Cytogenetic location: 9q31.1.
Variant type: single nucleotide variant.
Coding change: c.1040A>G on transcript NM_005502.4 (MANE Select); coding-DNA position 1040, A replaced by G.
Protein change: p.Tyr347Cys; replaces tyrosine 347 with cysteine.
Molecular consequence: missense variant.
Genome position (GRCh38, 1-based): chr9:104,840,293, T>C on the plus strand (A>G on the coding strand, the complement: ABCA1 is on the minus strand). VCF-style: chr9-104840293-T-C. GRCh37 (hg19) VCF-style: chr9-107602574-T-C.
Other names: short protein forms Y347C.
Identifiers: ClinVar variation 2248632 (VCV002248632.5), dbSNP rs778491693, ClinGen allele CA5169143.
Genomic context (GRCh38, chr9:104,840,293, plus strand): 5'-GAGGGATGGGGTTGGGGACAGGGCTGGGGTCTGCATGGACACTCACTTGTAGAGTTGTCA[T>C]AGAAGGTTTCAGCATCTTCCTCAGTGCCATTGCCTCCAAAGAGGGCTTTGTAGTTGTTGT-3'
Protein context (NP_005493.2, residues 337-357): NGTEEDAETF[Tyr347Cys]DNSTTPYCND

ClinVar aggregate classification (germline): Uncertain significance. Review status: criteria provided, multiple submitters, no conflicts (2 of 4 stars). 3 submissions from 3 submitters: Uncertain significance (3). Last evaluated 2025-02-08.

Conditions:
Cardiovascular phenotype. Identifiers: MedGen CN230736.

Allele frequency attached by ClinVar (database versions not stated): ExAC 0.00001; gnomAD 0.00001; TOPMed 0.00001; gnomAD exomes 0.00004.
gnomAD v4.1: 53 of 1,614,070 alleles (0.0033%); highest among the groups gnomAD compares: Non-Finnish European, 0.0044%; no homozygotes.

Submissions (3):

Women's Health and Genetics/Laboratory Corporation of America, LabCorp
Classification: Uncertain significance. Last evaluated: 2025-02-08. Review status: criteria provided, single submitter. Criteria: LabCorp Variant Classification Summary - May 2015. Collection method: clinical testing. Allele origin: germline.

Blueprint Genetics
Classification: Uncertain significance. Last evaluated: 2024-07-11. Review status: criteria provided, single submitter. Criteria: ACMG Guidelines, 2015. Collection method: clinical testing. Allele origin: germline.

Ambry Genetics
Classification: Uncertain significance for Cardiovascular phenotype. Last evaluated: 2023-05-05. Review status: criteria provided, single submitter. Criteria: Ambry Variant Classification Scheme 2023. Collection method: clinical testing. Allele origin: germline.
Comment: The p.Y347C variant (also known as c.1040A>G), located in coding exon 8 of the ABCA1 gene, results from an A to G substitution at nucleotide position 1040. The tyrosine at codon 347 is replaced by cysteine, an amino acid with highly dissimilar properties. This amino acid position is conserved. In addition, this alteration is predicted to be deleterious by in silico analysis. Since supporting evidence is limited at this time, the clinical significance of this alteration remains unclear.